The following is an entry in ClinVar:

ClinVar aggregate classification (germline): Uncertain significance (1 of 4 stars; one submission).

Submission:

Labcorp Genetics (formerly Invitae), Labcorp
Classification: Uncertain significance. Last evaluated: 2025-07-08. Review status: criteria provided, single submitter. Criteria: Invitae Variant Classification Sherloc (09022015). Collection method: clinical testing. Allele origin: germline.
Comment: This sequence change replaces valine, which is neutral and non-polar, with isoleucine, which is neutral and non-polar, at codon 226 of the GREB1L protein (p.Val226Ile). This variant is not present in population databases (gnomAD no frequency). This variant has not been reported in the literature in individuals affected with GREB1L-related conditions. An algorithm developed to predict the effect of missense changes on protein structure and function (PolyPhen-2) suggests that this variant is likely to be disruptive. In summary, the available evidence is currently insufficient to determine the role of this variant in disease. Therefore, it has been classified as a Variant of Uncertain Significance.

NM_001142966.3(GREB1L):c.676G>A (p.Val226Ile)

Genes: GREB1L-AS1 (GREB1L antisense RNA 1; minus strand), GREB1L (GREB1 like retinoic acid receptor coactivator; plus strand). Cytogenetic location: 18q11.1.
Variant type: single nucleotide variant.
Coding change: c.676G>A on transcript NM_001142966.3 (MANE Select); coding-DNA position 676, G replaced by A.
Protein change: p.Val226Ile; replaces valine 226 with isoleucine.
Molecular consequence: missense variant.
Genome position (GRCh38, 1-based): chr18:21,401,293, G>A. VCF-style: chr18-21401293-G-A. GRCh37 (hg19) VCF-style: chr18-18981254-G-A.
Other names: c.676G>A, p.Val226Ile (NM_001410867.1, NM_001410868.1); short protein forms V226I.
Identifiers: ClinVar variation 4721992 (VCV004721992.1).